The following is an entry in ClinVar:

NM_021954.4(GJA3):c.559C>T (p.Pro187Ser)

Gene: GJA3 (gap junction protein alpha 3; minus strand). Cytogenetic location: 13q12.11.
Variant type: single nucleotide variant.
Coding change: c.559C>T on transcript NM_021954.4 (MANE Select); coding-DNA position 559, C replaced by T.
Protein change: p.Pro187Ser; replaces proline 187 with serine.
Molecular consequence: missense variant.
Genome position (GRCh38, 1-based): chr13:20,142,730, G>A on the plus strand (C>T on the coding strand, the complement: GJA3 is on the minus strand). VCF-style: chr13-20142730-G-A. GRCh37 (hg19) VCF-style: chr13-20716869-G-A.
Other names: short protein forms P187S.
Identifiers: ClinVar variation 1679560 (VCV001679560.4), dbSNP rs2141138001, ClinGen allele CA387464564.

ClinVar aggregate classification (germline): Conflicting classifications of pathogenicity. Review status: criteria provided, conflicting classifications (1 of 4 stars). 3 submissions from 3 submitters: Likely pathogenic (2); Uncertain significance (1). Last evaluated 2025-06-10.

Conditions:
Cataract 14 multiple types. Also called: CATARACT 14, ZONULAR PULVERULENT; CATARACT 14, NUCLEAR PULVERULENT; CATARACT 14, NUCLEAR PULVERULENT AND POSTERIOR POLAR; CATARACT 14, NUCLEAR CORALLIFORM; CATARACT 14, EMBRYONAL NUCLEAR; CATARACT 14, COPPOCK-LIKE. Identifiers: Orphanet 91492, MedGen C1866078, MONDO:0011162, OMIM 601885.

Submissions (3):

Victorian Clinical Genetics Services, Murdoch Childrens Research Institute
Classification: Likely pathogenic for Cataract 14 multiple types. Last evaluated: 2025-06-10. Review status: criteria provided, single submitter. Criteria: ACMG Guidelines, 2015. Collection method: clinical testing. Allele origin: germline. Affected: yes.
Comment: This variant is classified as Likely pathogenic. Evidence in support of pathogenic classification: Variant is absent from gnomAD (v2, v3 and v4); This variant has limited previous evidence of pathogenicity in unrelated individuals. This variant has been classified once as likely pathogenic by a clinical laboratory in ClinVar, and has been reported in the literature in a family with congenital cataracts (PMID: 21647269); Another missense variant(s) comparable to the one identified in this case has limited previous evidence for pathogenicity. p.(Pro187Leu) has been reported in a family with congenital zonular pulverulent cataracts (PMID: 10746562); Additional information: Variant is predicted to result in a missense amino acid change from proline to serine; This variant is heterozygous; This gene is associated with autosomal dominant disease. However, autosomal recessive inheritance has been observed in a small number of families (PMIDs: 35008666, 29461512); No published functional evidence has been identified for this variant; Variant is located in the annotated connexin domain (DECIPHER); Missense variant with damaging in silico prediction and uninformative conservation; The mechanism of disease for this gene is not clearly established. Dominant negative is the likely mechanism associated with cataract 14, multiple types (MIM#601885; PMID: 28877251). Loss of function has been postulated for autosomal recessive inheritance resulting in a more severe phenotype (PMID: 9413992); The condition associated with this gene has incomplete penetrance. Pathogenic variants have been seen in unaffected individuals within the same family (PMID: 15286166).

Dept. Genetics and Cancer, Menzies Institute for Medical Research, University of Tasmania
Classification: Uncertain significance for Cataract 14 multiple types. Last evaluated: 2023-01-21. Review status: criteria provided, single submitter. Criteria: ACMG Guidelines, 2015. Collection method: curation. Allele origin: germline. Affected: yes.
Comment: Variant identified and curated during a GJA3 specific review of the literature in relation to pediatric or congenital cataract. ACMG-AMP criteria applied: PM2(Supporting), PM5(Supporting), PP3. Original variant report: PMID:21647269. The cataract phenotype reported for this variant is: Punctate nuclear. Gene review and curation guidelines are outlined in: DOI 10.1080/17469899.2023.2160320

New York Genome Center
Classification: Likely pathogenic for Cataract 14 multiple types. Last evaluated: 2021-04-30. Review status: criteria provided, single submitter. Criteria: NYGC Assertion Criteria 2020. Collection method: clinical testing. Allele origin: germline. Observed: 1 heterozygote. Study: CSER-NYCKidSeq.
Comment: The heterozygous c.559C>T (p.Pro187Ser) missense variant identified in the GJA3 gene has been reported in the literature in a three-generation Chinese family affected with congenital cataract [PMID: 21647269]. The variant is absent from the gnomAD(v3) database suggesting it is not a common benign variant in the populations represented in that database. The c.559C>T (p.Pro187Ser) variant is predicted deleterious by multiple in silico tools [CADD score = 25.6, REVEL score = 0.942). Based on the available evidence, the heterozygous c.559C>T (p.Pro187Ser) missense variant identified in the GJA3 gene is reported as Likely Pathogenic.

Literature cited by the submitters: PubMed 21647269 (cited by Victorian Clinical Genetics Services, Murdoch Childrens Research Institute and Dept. Genetics and Cancer, Menzies Institute for Medical Research, University of Tasmania); PubMed 35008666 (cited by Victorian Clinical Genetics Services, Murdoch Childrens Research Institute); PubMed 29461512 (cited by Victorian Clinical Genetics Services, Murdoch Childrens Research Institute); PubMed 28877251 (cited by Victorian Clinical Genetics Services, Murdoch Childrens Research Institute); PubMed 9413992 (cited by Victorian Clinical Genetics Services, Murdoch Childrens Research Institute); PubMed 15286166 (cited by Victorian Clinical Genetics Services, Murdoch Childrens Research Institute); PubMed 10746562 (cited by Victorian Clinical Genetics Services, Murdoch Childrens Research Institute).